The following is an entry in ClinVar:

NM_032119.4(ADGRV1):c.10974G>T (p.Gln3658His)

Gene: ADGRV1 (adhesion G protein-coupled receptor V1; plus strand). Cytogenetic location: 5q14.3.
Variant type: single nucleotide variant.
Coding change: c.10974G>T on transcript NM_032119.4 (MANE Select); coding-DNA position 10974, G replaced by T.
Protein change: p.Gln3658His; replaces glutamine 3658 with histidine.
Molecular consequence: missense variant. On other transcripts: non-coding transcript variant (1).
Genome position (GRCh38, 1-based): chr5:90,745,795, G>T. VCF-style: chr5-90745795-G-T. GRCh37 (hg19) VCF-style: chr5-90041612-G-T.
Other names: short protein forms Q3658H.
Identifiers: ClinVar variation 197939 (VCV000197939.7), dbSNP rs794727754, ClinGen allele CA246338.

ClinVar aggregate classification (germline): Uncertain significance. Review status: criteria provided, multiple submitters, no conflicts (2 of 4 stars). 2 submissions from 2 submitters: Uncertain significance (2). Last evaluated 2019-06-27.

Submissions (2):

GeneDx
Classification: Uncertain significance. Last evaluated: 2019-06-27. Review status: criteria provided, single submitter. Criteria: GeneDx Variant Classification Process June 2021. Collection method: clinical testing. Allele origin: germline. Affected: yes.
Comment: Not observed in large population cohorts (Lek et al., 2016); In silico analysis, which includes protein predictors and evolutionary conservation, supports a deleterious effect; Has not been previously published as pathogenic or benign to our knowledge

Eurofins Ntd Llc (ga)
Classification: Uncertain significance. Last evaluated: 2014-08-20. Review status: criteria provided, single submitter. Criteria: EGL Classification Definitions 2015. Collection method: clinical testing. Allele origin: germline. Observed: 1 variant allele, 1 heterozygote.